The following is an entry in ClinVar:

NM_004183.4(BEST1):c.1101-3C>T

Gene: BEST1 (bestrophin 1; plus strand). Cytogenetic location: 11q12.3.
Variant type: single nucleotide variant.
Coding change: c.1101-3C>T on transcript NM_004183.4 (MANE Select); 3 bases into the intron before coding-DNA position 1101, C replaced by T.
Molecular consequence: intron variant.
Genome position (GRCh38, 1-based): chr11:61,962,252, C>T. VCF-style: chr11-61962252-C-T. GRCh37 (hg19) VCF-style: chr11-61729724-C-T.
Other names: c.1304-3C>T (NM_001363592.2); c.1101-3C>T (NM_001440571.1); c.1020-3C>T (NM_001440572.1); c.948-3C>T (NM_001440573.1); c.921-3C>T (NM_001139443.3, NM_001300787.2); c.840-3C>T (NM_001440574.1, NM_001300786.2); c.768-3C>T (NM_001440575.1); c.687-3C>T (NM_001440576.1); and 2 more.
Identifiers: ClinVar variation 3725903 (VCV003725903.2).
Genomic context (GRCh38, chr11:61,962,252, plus strand): 5'-AGTAAGGCCAGGTGTTGGTCCTTTGTCCACTGGCTCAGCCCTGCATCTCCTGTTTCTTTC[C>T]AGCCTGAACAAAGAGGAGATGGAGTTCCAGCCCAATCAGGAGGACGAGGAGGATGCTCAC-3'

ClinVar aggregate classification (germline): Uncertain significance (1 of 4 stars; one submission).

Submission:

Labcorp Genetics (formerly Invitae), Labcorp
Classification: Uncertain significance. Last evaluated: 2024-11-23. Review status: criteria provided, single submitter. Criteria: Invitae Variant Classification Sherloc (09022015). Collection method: clinical testing. Allele origin: germline.
Comment: This sequence change falls in intron 9 of the BEST1 gene. It does not directly change the encoded amino acid sequence of the BEST1 protein. It affects a nucleotide within the consensus splice site. This variant is not present in population databases (gnomAD no frequency). This variant has not been reported in the literature in individuals affected with BEST1-related conditions. Variants that disrupt the consensus splice site are a relatively common cause of aberrant splicing (PMID: 17576681, 9536098). Algorithms developed to predict the effect of sequence changes on RNA splicing suggest that this variant is not likely to affect RNA splicing. In summary, the available evidence is currently insufficient to determine the role of this variant in disease. Therefore, it has been classified as a Variant of Uncertain Significance.

Literature cited by the submitters: PubMed 17576681; PubMed 9536098.